The following is an entry in ClinVar:

NM_201384.3(PLEC):c.1122C>T (p.His374=)

Gene: PLEC (plectin; minus strand). Cytogenetic location: 8q24.3.
Variant type: single nucleotide variant.
Coding change: c.1122C>T on transcript NM_201384.3 (MANE Select); coding-DNA position 1122, C replaced by T.
Protein change: p.His374=; no amino-acid change (histidine 374 retained).
Molecular consequence: synonymous variant.
Genome position (GRCh38, 1-based): chr8:143,934,365, G>A on the plus strand (C>T on the coding strand, the complement: PLEC is on the minus strand). VCF-style: chr8-143934365-G-A. GRCh37 (hg19) VCF-style: chr8-145008533-G-A.
Other names: c.1203C>T (NM_000445.4); c.1203C>T, p.His401= (NM_000445.5); c.1080C>T, p.His360= (NM_201378.4); c.1056C>T, p.His352= (NM_201379.3); c.1533C>T, p.His511= (NM_201380.4); c.1026C>T, p.His342= (NM_201381.3); c.1122C>T, p.His374= (NM_201382.4); c.1134C>T, p.His378= (NM_201383.3).
Identifiers: ClinVar variation 499199 (VCV000499199.13), dbSNP rs372270485, ClinGen allele CA4928165.

ClinVar aggregate classification (germline): Conflicting classifications of pathogenicity. Review status: criteria provided, conflicting classifications (1 of 4 stars). 4 submissions from 4 submitters: Uncertain significance (1); Likely benign (3). Last evaluated 2025-03-11.

Conditions:
Autosomal recessive limb-girdle muscular dystrophy type 2Q (LGMDR17). Also called: MUSCULAR DYSTROPHY, LIMB-GIRDLE, AUTOSOMAL RECESSIVE 17. Identifiers: Orphanet 254361, MedGen C3150989, MONDO:0013390, OMIM 613723.
Epidermolysis bullosa simplex 5B, with muscular dystrophy (EBS5B). Also called: EPIDERMOLYSIS BULLOSA SIMPLEX AND LIMB-GIRDLE MUSCULAR DYSTROPHY; Epidermolysis bullosa simplex with muscular dystrophy. Identifiers: Orphanet 257, MedGen C2931072, MONDO:0009181, OMIM 226670.
Epidermolysis bullosa simplex, Ogna type (EBS5A). Also called: Pidermolysis bullosa simplex 5A, Ogna type; EPIDERMOLYSIS BULLOSA SIMPLEX 5A, OGNA TYPE. Identifiers: Orphanet 79401, MedGen C0432317, MONDO:0007555, OMIM 131950.
Epidermolysis bullosa simplex with nail dystrophy (EBS5D). Identifiers: MedGen C4225309, MONDO:0014661, OMIM 616487.
Epidermolysis bullosa simplex 5C, with pyloric atresia (EBS5C). Also called: PLEC-Related Epidermolysis Bullosa with Pyloric Atresia; Epidermolysis bullosa simplex with pyloric atresia; PLEC1-Related Epidermolysis Bullosa with Pyloric Atresia. Identifiers: Orphanet 158684, MedGen C2677349, MONDO:0012807, OMIM 612138.
PLEC-related disorder. Also called: PLEC-related disorders; PLEC-related condition.

Allele frequency attached by ClinVar (database versions not stated): gnomAD exomes 0.00005 and 0.00010; gnomAD 0.00006; TOPMed 0.00009; ExAC 0.00018; ESP Exome Variant Server 0.00032.
gnomAD v4.1: 85 of 1,612,466 alleles (0.0053%); highest among the groups gnomAD compares: African/African-American, 0.015%; no homozygotes.

Submissions (4):

PreventionGenetics, part of Exact Sciences
Classification: Likely benign for PLEC-related condition. Last evaluated: 2025-03-11. Review status: criteria provided, single submitter. Criteria: ACMG Guidelines, 2015. Collection method: clinical testing. Allele origin: germline.
Comment: This variant is classified as likely benign based on ACMG/AMP sequence variant interpretation guidelines (Richards et al. 2015 PMID: 25741868, with internal and published modifications).

Labcorp Genetics (formerly Invitae), Labcorp
Classification: Likely benign for Autosomal recessive limb-girdle muscular dystrophy type 2Q; Epidermolysis bullosa simplex, Ogna type; Epidermolysis bullosa simplex with nail dystrophy; Epidermolysis bullosa simplex 5C, with pyloric atresia; Epidermolysis bullosa simplex 5B, with muscular dystrophy. Last evaluated: 2024-12-26. Review status: criteria provided, single submitter. Criteria: Invitae Variant Classification Sherloc (09022015). Collection method: clinical testing. Allele origin: germline.

GeneDx
Classification: Likely benign. Last evaluated: 2017-11-24. Review status: criteria provided, single submitter. Criteria: GeneDx Variant Classification (06012015). Collection method: clinical testing. Allele origin: germline. Affected: yes.
Comment: This variant is considered likely benign or benign based on one or more of the following criteria: it is a conservative change, it occurs at a poorly conserved position in the protein, it is predicted to be benign by multiple in silico algorithms, and/or has population frequency not consistent with disease.

Eurofins Ntd Llc (ga)
Classification: Uncertain significance. Last evaluated: 2016-12-28. Review status: criteria provided, single submitter. Criteria: EGL Classification Definitions 2015. Collection method: clinical testing. Allele origin: germline. Observed: 1 variant allele, 1 heterozygote.